The following is an entry in ClinVar:

ClinVar aggregate classification (germline): Uncertain significance. Review status: criteria provided, multiple submitters, no conflicts (2 of 4 stars). 2 submissions from 2 submitters: Uncertain significance (2). Last evaluated 2024-10-31.

Conditions:
Hereditary cancer-predisposing syndrome. Also called: Hereditary neoplastic syndrome; Neoplastic Syndromes, Hereditary; Tumor predisposition; Hereditary Cancer Syndrome. Identifiers: Orphanet 140162, MedGen C0027672, MeSH D009386, MONDO:0015356.
Multiple endocrine neoplasia type 4. Also called: MULTIPLE ENDOCRINE NEOPLASIA, TYPE IV. Identifiers: Orphanet 276152, MedGen C1970712, MONDO:0012552, OMIM 610755.

Allele frequency attached by ClinVar (database versions not stated): gnomAD exomes below 0.00001.
gnomAD v4.1: 1 of 1,613,038 alleles (0.000062%); highest among the groups gnomAD compares: South Asian, 0.0011%; no homozygotes.

Submissions (2):

Labcorp Genetics (formerly Invitae), Labcorp
Classification: Uncertain significance for Multiple endocrine neoplasia type 4. Last evaluated: 2024-10-31. Review status: criteria provided, single submitter. Criteria: Invitae Variant Classification Sherloc (09022015). Collection method: clinical testing. Allele origin: germline.
Comment: This sequence change replaces asparagine, which is neutral and polar, with aspartic acid, which is acidic and polar, at codon 3 of the CDKN1B protein (p.Asn3Asp). This variant is present in population databases (no rsID available, gnomAD 0.003%). This variant has not been reported in the literature in individuals affected with CDKN1B-related conditions. ClinVar contains an entry for this variant (Variation ID: 485504). An algorithm developed to predict the effect of missense changes on protein structure and function (PolyPhen-2) suggests that this variant is likely to be tolerated. In summary, the available evidence is currently insufficient to determine the role of this variant in disease. Therefore, it has been classified as a Variant of Uncertain Significance.

Ambry Genetics
Classification: Uncertain significance for Hereditary cancer-predisposing syndrome. Last evaluated: 2023-10-17. Review status: criteria provided, single submitter. Criteria: Ambry Variant Classification Scheme 2023. Collection method: clinical testing. Allele origin: germline.
Comment: The p.N3D variant (also known as c.7A>G), located in coding exon 1 of the CDKN1B gene, results from an A to G substitution at nucleotide position 7. The asparagine at codon 3 is replaced by aspartic acid, an amino acid with highly similar properties. This amino acid position is well conserved in available vertebrate species. In addition, this alteration is predicted to be tolerated by in silico analysis. Since supporting evidence is limited at this time, the clinical significance of this alteration remains unclear.

NM_004064.5(CDKN1B):c.7A>G (p.Asn3Asp)

Gene: CDKN1B (cyclin dependent kinase inhibitor 1B; plus strand). Cytogenetic location: 12p13.1.
Variant type: single nucleotide variant.
Coding change: c.7A>G on transcript NM_004064.5 (MANE Select); coding-DNA position 7, A replaced by G.
Protein change: p.Asn3Asp; replaces asparagine 3 with aspartic acid.
Molecular consequence: missense variant.
Genome position (GRCh38, 1-based): chr12:12,717,846, A>G. VCF-style: chr12-12717846-A-G. GRCh37 (hg19) VCF-style: chr12-12870780-A-G.
Other names: short protein forms N3D.
Identifiers: ClinVar variation 485504 (VCV000485504.7), dbSNP rs1348090532, ClinGen allele CA383967862.